The following is an entry in ClinVar:

NM_000051.4(ATM):c.7156G>C (p.Ala2386Pro)

Genes: ATM (ATM serine/threonine kinase; plus strand), C11orf65 (chromosome 11 open reading frame 65; minus strand). Cytogenetic location: 11q22.3.
Variant type: single nucleotide variant.
Coding change: c.7156G>C on transcript NM_000051.4 (MANE Select); coding-DNA position 7156, G replaced by C.
Protein change: p.Ala2386Pro; replaces alanine 2386 with proline.
Molecular consequence: missense variant. On other transcripts: intron variant (2).
Genome position (GRCh38, 1-based): chr11:108,329,087, G>C. VCF-style: chr11-108329087-G-C. GRCh37 (hg19) VCF-style: chr11-108199814-G-C.
Other names: c.7156G>C, p.Ala2386Pro (NM_001351834.2); c.641-20016C>G (NM_001330368.2); c.*38+6133C>G (NM_001351110.2); short protein forms A2386P.
Identifiers: ClinVar variation 231834 (VCV000231834.21), dbSNP rs876659392, ClinGen allele CA10579251.

ClinVar aggregate classification (germline): Uncertain significance. Review status: criteria provided, multiple submitters, no conflicts (2 of 4 stars). 6 submissions from 6 submitters: Uncertain significance (5). 1 of the submissions does not count toward it. Last evaluated 2026-01-18.

Conditions:
Hereditary cancer-predisposing syndrome. Also called: Neoplastic Syndromes, Hereditary; Hereditary neoplastic syndrome; Tumor predisposition; Hereditary Cancer Syndrome. Identifiers: Orphanet 140162, MedGen C0027672, MeSH D009386, MONDO:0015356.
Ataxia-telangiectasia syndrome (AT). Also called: Ataxia telangiectasia (A-T); Cerebello-oculocutaneous telangiectasia; Immunodeficiency with ataxia telangiectasia; LOUIS-BAR SYNDROME; AT, COMPLEMENTATION GROUP C; ATAXIA-TELANGIECTASIA, FRESNO VARIANT. Identifiers: Orphanet 100, MedGen C0004135, MONDO:0008840, OMIM 208900.
Familial cancer of breast. Also called: hereditary breast carcinoma; Hereditary breast cancer; BREAST CANCER, FAMILIAL. Identifiers: Orphanet 227535, MedGen C0346153, MONDO:0016419, OMIM 114480. Disease mechanism: loss of function.

Allele frequency attached by ClinVar (database versions not stated): gnomAD 0.00001; TOPMed below 0.00001.
gnomAD v4.1: 1 of 1,613,882 alleles (0.000062%); highest among the groups gnomAD compares: Non-Finnish European, 0.000085%; no homozygotes.

Submissions (6):

Labcorp Genetics (formerly Invitae), Labcorp
Classification: Uncertain significance for Ataxia-telangiectasia syndrome. Last evaluated: 2026-01-18. Review status: criteria provided, single submitter. Criteria: Invitae Variant Classification Sherloc (09022015). Collection method: clinical testing. Allele origin: germline.
Comment: This sequence change replaces alanine, which is neutral and non-polar, with proline, which is neutral and non-polar, at codon 2386 of the ATM protein (p.Ala2386Pro). This variant is present in population databases (no rsID available, gnomAD 0.007%). This variant has not been reported in the literature in individuals affected with ATM-related conditions. ClinVar contains an entry for this variant (Variation ID: 231834). Invitae Evidence Modeling of protein sequence and biophysical properties (such as structural, functional, and spatial information, amino acid conservation, physicochemical variation, residue mobility, and thermodynamic stability) has been performed for this missense variant. However, the output from this modeling did not meet the statistical confidence thresholds required to predict the impact of this variant on ATM protein function. This variant disrupts the p.Ala2386 amino acid residue in ATM. Other variant(s) that disrupt this residue have been determined to be pathogenic (PMID: 31050087, 34759960). This suggests that this residue is clinically significant, and that variants that disrupt this residue are likely to be disease-causing. In summary, the available evidence is currently insufficient to determine the role of this variant in disease. Therefore, it has been classified as a Variant of Uncertain Significance.

Ambry Genetics
Classification: Uncertain significance for Hereditary cancer-predisposing syndrome. Last evaluated: 2025-03-28. Review status: criteria provided, single submitter. Criteria: Ambry Variant Classification Scheme 2023. Collection method: clinical testing. Allele origin: germline.
Comment: The p.A2386P variant (also known as c.7156G>C), located in coding exon 48 of the ATM gene, results from a G to C substitution at nucleotide position 7156. The alanine at codon 2386 is replaced by proline, an amino acid with highly similar properties. This amino acid position is highly conserved in available vertebrate species. In addition, this alteration is predicted to be deleterious by in silico analysis. Since supporting evidence is limited at this time, the clinical significance of this alteration remains unclear.

GeneDx
Classification: Uncertain significance. Last evaluated: 2024-01-29. Review status: criteria provided, single submitter. Criteria: GeneDx Variant Classification Process June 2021. Collection method: clinical testing. Allele origin: germline. Affected: yes.
Comment: Not observed at significant frequency in large population cohorts (gnomAD); In silico analysis supports that this missense variant has a deleterious effect on protein structure/function; Has not been previously published as pathogenic or benign to our knowledge

Baylor Genetics
Classification: Uncertain significance for Familial cancer of breast. Last evaluated: 2023-10-21. Review status: criteria provided, single submitter. Criteria: ACMG Guidelines, 2015. Collection method: clinical testing. Allele origin: unknown.

Color Diagnostics, LLC DBA Color Health
Classification: Uncertain significance for Hereditary cancer-predisposing syndrome. Last evaluated: 2021-08-09. Review status: criteria provided, single submitter. Criteria: ACMG Guidelines, 2015. Collection method: clinical testing. Allele origin: germline.
Comment: This missense variant replaces alanine with proline at codon 2386 of the ATM protein. Computational prediction suggests that this variant may have deleterious impact on protein structure and function (internally defined REVEL score threshold >= 0.7, PMID: 27666373). To our knowledge, functional studies have not been reported for this variant. This variant has not been reported in individuals affected with hereditary cancer in the literature. This variant has been identified in 1/31382 chromosomes in the general population by the Genome Aggregation Database (gnomAD). The available evidence is insufficient to determine the role of this variant in disease conclusively. Therefore, this variant is classified as a Variant of Uncertain Significance.

Natera, Inc.
Classification: Uncertain significance for Ataxia-telangiectasia. Last evaluated: 2025-04-10. Review status: no assertion criteria provided. Collection method: clinical testing. Allele origin: germline. Not counted in ClinVar's aggregate classification.

Literature cited by the submitters: PubMed 31050087 (cited by Labcorp Genetics (formerly Invitae), Labcorp); PubMed 34759960 (cited by Labcorp Genetics (formerly Invitae), Labcorp).